The following is an entry in ClinVar:

NM_001367873.1(SOX6):c.214G>A (p.Val72Ile)

Gene: SOX6 (SRY-box transcription factor 6; minus strand). Cytogenetic location: 11p15.2.
Variant type: single nucleotide variant.
Coding change: c.214G>A on transcript NM_001367873.1 (MANE Select); coding-DNA position 214, G replaced by A.
Protein change: p.Val72Ile; replaces valine 72 with isoleucine.
Molecular consequence: missense variant.
Genome position (GRCh38, 1-based): chr11:16,341,035, C>T on the plus strand (G>A on the coding strand, the complement: SOX6 is on the minus strand). VCF-style: chr11-16341035-C-T. GRCh37 (hg19) VCF-style: chr11-16362581-C-T.
Other names: c.214G>A, p.Val72Ile (NM_001145811.2, NM_001145819.2, NM_001367872.1 and 2 more transcripts); short protein forms V72I.
Identifiers: ClinVar variation 2515627 (VCV002515627.4), dbSNP rs377228366, ClinGen allele CA5898498.

ClinVar aggregate classification (germline): Conflicting classifications of pathogenicity. Review status: criteria provided, conflicting classifications (1 of 4 stars). 2 submissions from 2 submitters: Uncertain significance (1); Likely benign (1). Last evaluated 2024-04-07.

Conditions:
Inborn genetic diseases. Identifiers: MedGen C0950123, MeSH D030342.

Allele frequency attached by ClinVar (database versions not stated): ExAC 0.00003; gnomAD exomes 0.00003; ESP Exome Variant Server 0.00008; gnomAD 0.00025; TOPMed 0.00029.
gnomAD v4.1: 85 of 1,613,206 alleles (0.0053%); highest among the groups gnomAD compares: African/African-American, 0.072%; no homozygotes.

Submissions (2):

Labcorp Genetics (formerly Invitae), Labcorp
Classification: Uncertain significance. Last evaluated: 2024-04-07. Review status: criteria provided, single submitter. Criteria: Invitae Variant Classification Sherloc (09022015). Collection method: clinical testing. Allele origin: germline.
Comment: This sequence change replaces valine, which is neutral and non-polar, with isoleucine, which is neutral and non-polar, at codon 72 of the SOX6 protein (p.Val72Ile). This variant is present in population databases (rs377228366, gnomAD 0.04%), and has an allele count higher than expected for a pathogenic variant. This variant has not been reported in the literature in individuals affected with SOX6-related conditions. ClinVar contains an entry for this variant (Variation ID: 2515627). Advanced modeling of protein sequence and biophysical properties (such as structural, functional, and spatial information, amino acid conservation, physicochemical variation, residue mobility, and thermodynamic stability) performed at Invitae indicates that this missense variant is not expected to disrupt SOX6 protein function with a negative predictive value of 80%. In summary, the available evidence is currently insufficient to determine the role of this variant in disease. Therefore, it has been classified as a Variant of Uncertain Significance.

Ambry Genetics
Classification: Likely benign for Inborn genetic diseases. Last evaluated: 2023-04-17. Review status: criteria provided, single submitter. Criteria: Ambry Variant Classification Scheme 2023. Collection method: clinical testing. Allele origin: germline.